The following is an entry in ClinVar:

ClinVar aggregate classification (germline): Uncertain significance (1 of 4 stars; one submission).

Allele frequency attached by ClinVar (database versions not stated): TOPMed 0.00002; ExAC 0.00003; 1000 Genomes Project 0.00020; gnomAD exomes 0.00002; ESP Exome Variant Server 0.00008; gnomAD 0.00001; 1000 Genomes Project 30x 0.00016.

Submission:

Labcorp Genetics (formerly Invitae), Labcorp
Classification: Uncertain significance. Last evaluated: 2025-10-02. Review status: criteria provided, single submitter. Criteria: Invitae Variant Classification Sherloc (09022015). Collection method: clinical testing. Allele origin: germline.
Comment: This sequence change replaces valine, which is neutral and non-polar, with isoleucine, which is neutral and non-polar, at codon 657 of the PLXNA1 protein (p.Val657Ile). This variant is present in population databases (rs138310005, gnomAD 0.03%). This variant has not been reported in the literature in individuals affected with PLXNA1-related conditions. ClinVar contains an entry for this variant (Variation ID: 2992536). Invitae Evidence Modeling of protein sequence and biophysical properties (such as structural, functional, and spatial information, amino acid conservation, physicochemical variation, residue mobility, and thermodynamic stability) indicates that this missense variant is not expected to disrupt PLXNA1 protein function with a negative predictive value of 80%. In summary, the available evidence is currently insufficient to determine the role of this variant in disease. Therefore, it has been classified as a Variant of Uncertain Significance.

NM_032242.4(PLXNA1):c.1969G>A (p.Val657Ile)

Gene: PLXNA1 (plexin A1; plus strand). Cytogenetic location: 3q21.3.
Variant type: single nucleotide variant.
Coding change: c.1969G>A on transcript NM_032242.4 (MANE Select); coding-DNA position 1969, G replaced by A.
Protein change: p.Val657Ile; replaces valine 657 with isoleucine.
Molecular consequence: missense variant.
Genome position (GRCh38, 1-based): chr3:127,006,150, G>A. VCF-style: chr3-127006150-G-A. GRCh37 (hg19) VCF-style: chr3-126724993-G-A.
Other names: short protein forms V657I.
Identifiers: ClinVar variation 2992536 (VCV002992536.3), dbSNP rs138310005, ClinGen allele CA2593444.